The following is an entry in ClinVar:

ClinVar aggregate classification (germline): Uncertain significance. Review status: criteria provided, multiple submitters, no conflicts (2 of 4 stars). 2 submissions from 2 submitters: Uncertain significance (2). Last evaluated 2021-09-01.

Conditions:
LAMA2-related muscular dystrophy (LAMA2-RD). Also called: Laminin alpha 2-related dystrophy. Identifiers: MedGen C5679788, MONDO:0100228.

gnomAD v4.1: 7 of 1,614,130 alleles (0.00043%); highest among the groups gnomAD compares: Non-Finnish European, 0.00059%; no homozygotes.

Submissions (2):

CeGaT Center for Human Genetics Tuebingen
Classification: Uncertain significance. Last evaluated: 2021-09-01. Review status: criteria provided, single submitter. Criteria: CeGaT Center For Human Genetics Tuebingen Variant Classification Criteria Version 2. Collection method: clinical testing. Allele origin: germline. Affected: yes. Observed: 1 variant allele.

Labcorp Genetics (formerly Invitae), Labcorp
Classification: Uncertain significance for LAMA2-related muscular dystrophy. Last evaluated: 2021-08-28. Review status: criteria provided, single submitter. Criteria: Invitae Variant Classification Sherloc (09022015). Collection method: clinical testing. Allele origin: germline.
Comment: This sequence change replaces proline with leucine at codon 1550 of the LAMA2 protein (p.Pro1550Leu). The proline residue is moderately conserved and there is a moderate physicochemical difference between proline and leucine. This variant is not present in population databases (ExAC no frequency). This variant has not been reported in the literature in individuals affected with LAMA2-related conditions. ClinVar contains an entry for this variant (Variation ID: 477474). Algorithms developed to predict the effect of missense changes on protein structure and function are either unavailable or do not agree on the potential impact of this missense change (SIFT: "Tolerated"; PolyPhen-2: "Possibly Damaging"; Align-GVGD: "Class C0"). In summary, the available evidence is currently insufficient to determine the role of this variant in disease. Therefore, it has been classified as a Variant of Uncertain Significance.

NM_000426.4(LAMA2):c.4649C>T (p.Pro1550Leu)

Gene: LAMA2 (laminin subunit alpha 2; plus strand). Cytogenetic location: 6q22.33.
Variant type: single nucleotide variant.
Coding change: c.4649C>T on transcript NM_000426.4 (MANE Select); coding-DNA position 4649, C replaced by T.
Protein change: p.Pro1550Leu; replaces proline 1550 with leucine.
Molecular consequence: missense variant.
Genome position (GRCh38, 1-based): chr6:129,353,289, C>T. VCF-style: chr6-129353289-C-T. GRCh37 (hg19) VCF-style: chr6-129674434-C-T.
Other names: c.4649C>T, p.Pro1550Leu (NM_001079823.2); short protein forms P1550L.
Identifiers: ClinVar variation 477474 (VCV000477474.39), dbSNP rs1554278657, ClinGen allele CA365618691.
Genomic context (GRCh38, chr6:129,353,289, plus strand): 5'-ATCCCTATGGCTCACTGCCTGTGCCCTGTGACCCTGTCACAGGATTCTGCACGTGCCGAC[C>T]TGGAGCCACGGGAAGGAAGTGTGACGGCTGCAAGCACTGGCATGCACGCGAGGGCTGGGA-3'
Protein context (NP_000417.3, residues 1540-1560): DPVTGFCTCR[Pro1550Leu]GATGRKCDGC